The following is an entry in ClinVar:

ClinVar aggregate classification (germline): Uncertain significance (1 of 4 stars; one submission).

Conditions:
Inborn genetic diseases. Identifiers: MedGen C0950123, MeSH D030342.

Allele frequency attached by ClinVar (database versions not stated): TOPMed 0.00001; ExAC 0.00030.
gnomAD v4.1: 31 of 1,514,714 alleles (0.002%); highest among the groups gnomAD compares: South Asian, 0.033%; no homozygotes.

Submission:

Ambry Genetics
Classification: Uncertain significance for Inborn genetic diseases. Last evaluated: 2023-09-23. Review status: criteria provided, single submitter. Criteria: Ambry Variant Classification Scheme 2023. Collection method: clinical testing. Allele origin: germline.
Comment: The p.E1133A variant (also known as c.3398A>C), located in coding exon 25 of the LTBP3 gene, results from an A to C substitution at nucleotide position 3398. The glutamic acid at codon 1133 is replaced by alanine, an amino acid with dissimilar properties. This amino acid position is conserved. In addition, the in silico prediction for this alteration is inconclusive. Since supporting evidence is limited at this time, the clinical significance of this alteration remains unclear.

NM_001130144.3(LTBP3):c.3398A>C (p.Glu1133Ala)

Genes: LTBP3 (latent transforming growth factor beta binding protein 3; minus strand), LOC130006027 (ATAC-STARR-seq lymphoblastoid silent region 3530; plus strand). Cytogenetic location: 11q13.1.
Variant type: single nucleotide variant.
Coding change: c.3398A>C on transcript NM_001130144.3 (MANE Select); coding-DNA position 3398, A replaced by C.
Protein change: p.Glu1133Ala; replaces glutamic acid 1133 with alanine.
Molecular consequence: missense variant.
Genome position (GRCh38, 1-based): chr11:65,539,869, T>G on the plus strand (A>C on the coding strand, the complement: LTBP3 is on the minus strand). VCF-style: chr11-65539869-T-G. GRCh37 (hg19) VCF-style: chr11-65307340-T-G.
Other names: c.2906A>C, p.Glu969Ala (NM_001164266.1); c.3257A>C, p.Glu1086Ala (NM_021070.4); short protein forms E1086A, E1133A, E969A.
Identifiers: ClinVar variation 3233174 (VCV003233174.1), dbSNP rs748632960, ClinGen allele CA6100289.